The following is an entry in ClinVar:

ClinVar aggregate classification (germline): Uncertain significance. Review status: criteria provided, multiple submitters, no conflicts (2 of 4 stars). 2 submissions from 2 submitters: Uncertain significance (2). Last evaluated 2024-11-21.

Conditions:
Inborn genetic diseases. Identifiers: MedGen C0950123, MeSH D030342.

gnomAD v4.1: 1 of 1,613,566 alleles (0.000062%); highest among the groups gnomAD compares: Non-Finnish European, 0.000085%; no homozygotes.

Submissions (2):

Ambry Genetics
Classification: Uncertain significance for Inborn genetic diseases. Last evaluated: 2024-11-21. Review status: criteria provided, single submitter. Criteria: Ambry Variant Classification Scheme 2023. Collection method: clinical testing. Allele origin: germline.
Comment: The p.Y931C variant (also known as c.2792A>G), located in coding exon 1 of the SAMD9L gene, results from an A to G substitution at nucleotide position 2792. The tyrosine at codon 931 is replaced by cysteine, an amino acid with highly dissimilar properties. This amino acid position is conserved. In addition, this alteration is predicted to be deleterious by in silico analysis. Based on the available evidence, the clinical significance of this variant remains unclear.

Labcorp Genetics (formerly Invitae), Labcorp
Classification: Uncertain significance. Last evaluated: 2023-01-19. Review status: criteria provided, single submitter. Criteria: Invitae Variant Classification Sherloc (09022015). Collection method: clinical testing. Allele origin: germline.
Comment: Advanced modeling of protein sequence and biophysical properties (such as structural, functional, and spatial information, amino acid conservation, physicochemical variation, residue mobility, and thermodynamic stability) performed at Invitae indicates that this missense variant is expected to disrupt SAMD9L protein function. This variant has not been reported in the literature in individuals affected with SAMD9L-related conditions. This variant is present in population databases (no rsID available, gnomAD 0.0009%). This sequence change replaces tyrosine, which is neutral and polar, with cysteine, which is neutral and slightly polar, at codon 931 of the SAMD9L protein (p.Tyr931Cys). In summary, the available evidence is currently insufficient to determine the role of this variant in disease. Therefore, it has been classified as a Variant of Uncertain Significance.

NM_152703.5(SAMD9L):c.2792A>G (p.Tyr931Cys)

Gene: SAMD9L (sterile alpha motif domain containing 9 like; minus strand). Cytogenetic location: 7q21.2.
Variant type: single nucleotide variant.
Coding change: c.2792A>G on transcript NM_152703.5 (MANE Select); coding-DNA position 2792, A replaced by G.
Protein change: p.Tyr931Cys; replaces tyrosine 931 with cysteine.
Molecular consequence: missense variant.
Genome position (GRCh38, 1-based): chr7:93,133,180, T>C on the plus strand (A>G on the coding strand, the complement: SAMD9L is on the minus strand). VCF-style: chr7-93133180-T-C. GRCh37 (hg19) VCF-style: chr7-92762493-T-C.
Other names: c.2792A>G (NM_152703.2); c.2792A>G, p.Tyr931Cys (NM_001303496.3, NM_001303497.3, NM_001303498.3 and 5 more transcripts); short protein forms Y931C.
Identifiers: ClinVar variation 2828504 (VCV002828504.4), dbSNP rs960927778, ClinGen allele CA368186391.